The following is an entry in ClinVar:

ClinVar aggregate classification (germline): Uncertain significance (1 of 4 stars; one submission).

Submission:

GeneDx
Classification: Uncertain significance. Last evaluated: 2026-02-15. Review status: criteria provided, single submitter. Criteria: GeneDx Variant Classification Process June 2021. Collection method: clinical testing. Allele origin: germline.
Comment: Not observed at significant frequency in large population cohorts (gnomAD); In silico analysis supports that this missense variant has a deleterious effect on protein structure/function; Has not been previously published as pathogenic or benign to our knowledge

NM_001242896.3(DEPDC5):c.571T>A (p.Tyr191Asn)

Gene: DEPDC5 (DEP domain containing 5, GATOR1 subcomplex subunit; plus strand). Cytogenetic location: 22q12.2.
Variant type: single nucleotide variant.
Coding change: c.571T>A on transcript NM_001242896.3 (MANE Select); coding-DNA position 571, T replaced by A.
Protein change: p.Tyr191Asn; replaces tyrosine 191 with asparagine.
Molecular consequence: missense variant. On other transcripts: non-coding transcript variant (5).
Genome position (GRCh38, 1-based): chr22:31,784,822, T>A. VCF-style: chr22-31784822-T-A. GRCh37 (hg19) VCF-style: chr22-32180808-T-A.
Other names: c.571T>A, p.Tyr191Asn (NM_001007188.4, NM_001136029.4, NM_001242897.2 and 7 more transcripts); c.487T>A, p.Tyr163Asn (NM_001369901.1, NM_001369902.1); short protein forms Y191N, Y163N.
Identifiers: ClinVar variation 5009457 (VCV005009457.1).